The following is an entry in ClinVar:

ClinVar aggregate classification (germline): Uncertain significance. Review status: criteria provided, multiple submitters, no conflicts (2 of 4 stars). 3 submissions from 3 submitters: Uncertain significance (3). Last evaluated 2025-09-30.

Conditions:
Cardiovascular phenotype. Identifiers: MedGen CN230736.
Long QT syndrome (LQTS). Identifiers: MedGen C0023976, MeSH D008133, MONDO:0002442. Disease mechanism: loss of function. Inheritance: Various modes of inheritance.

Allele frequency attached by ClinVar (database versions not stated): gnomAD 0.00001; TOPMed 0.00002; ESP Exome Variant Server 0.00008.
gnomAD v4.1: 8 of 1,589,160 alleles (0.0005%); highest among the groups gnomAD compares: South Asian, 0.0023%; no homozygotes.

Submissions (3):

Labcorp Genetics (formerly Invitae), Labcorp
Classification: Uncertain significance for Long QT syndrome. Last evaluated: 2025-09-30. Review status: criteria provided, single submitter. Criteria: Invitae Variant Classification Sherloc (09022015). Collection method: clinical testing. Allele origin: germline.
Comment: This sequence change replaces arginine, which is basic and polar, with cysteine, which is neutral and slightly polar, at codon 504 of the CACNA1C protein (p.Arg504Cys). The frequency data for this variant in the population databases is considered unreliable, as metrics indicate poor data quality at this position in the gnomAD database. This variant has not been reported in the literature in individuals affected with CACNA1C-related conditions. ClinVar contains an entry for this variant (Variation ID: 580722). An algorithm developed to predict the effect of missense changes on protein structure and function (PolyPhen-2) suggests that this variant is likely to be disruptive. In summary, the available evidence is currently insufficient to determine the role of this variant in disease. Therefore, it has been classified as a Variant of Uncertain Significance.

Molecular Diagnostic Laboratory for Inherited Cardiovascular Disease, Montreal Heart Institute
Classification: Uncertain significance for Cardiovascular phenotype. Last evaluated: 2025-04-09. Review status: criteria provided, single submitter. Criteria: ACMG Guidelines, 2015. Collection method: clinical testing. Allele origin: germline. Affected: yes.
Comment: PM2, PP3

Ambry Genetics
Classification: Uncertain significance for Cardiovascular phenotype. Last evaluated: 2020-10-13. Review status: criteria provided, single submitter. Criteria: Ambry Variant Classification Scheme 2023. Collection method: clinical testing. Allele origin: germline.
Comment: The p.R504C variant (also known as c.1510C>T), located in coding exon 12 of the CACNA1C gene, results from a C to T substitution at nucleotide position 1510. The arginine at codon 504 is replaced by cysteine, an amino acid with highly dissimilar properties. This amino acid position is highly conserved in available vertebrate species. In addition, this alteration is predicted to be deleterious by in silico analysis. Since supporting evidence is limited at this time, the clinical significance of this alteration remains unclear.

NM_000719.7(CACNA1C):c.1510C>T (p.Arg504Cys)

Gene: CACNA1C (calcium voltage-gated channel subunit alpha1 C; plus strand). Cytogenetic location: 12p13.33.
Variant type: single nucleotide variant.
Coding change: c.1510C>T on transcript NM_000719.7 (MANE Select); coding-DNA position 1510, C replaced by T.
Protein change: p.Arg504Cys; replaces arginine 504 with cysteine.
Molecular consequence: missense variant.
Genome position (GRCh38, 1-based): chr12:2,566,423, C>T. VCF-style: chr12-2566423-C-T. GRCh37 (hg19) VCF-style: chr12-2675589-C-T.
Other names: c.1510C>T (NM_199460.3); c.1510C>T, p.Arg504Cys (NM_001129827.2, NM_001129829.2, NM_001129830.3 and 18 more transcripts); c.1501C>T, p.Arg501Cys (NM_001129844.2); short protein forms R504C, R501C.
Identifiers: ClinVar variation 580722 (VCV000580722.12), dbSNP rs370634418, ClinGen allele CA231613972.